The following is an entry in ClinVar:

ClinVar aggregate classification (germline): Pathogenic. Review status: criteria provided, multiple submitters, no conflicts (2 of 4 stars). 3 submissions from 3 submitters: Pathogenic (3). Last evaluated 2025-12-30.

Conditions:
Lynch syndrome 5 (LYNCH5). Also called: Hereditary non-polyposis colorectal cancer, type 5; Colorectal cancer, hereditary nonpolyposis, type 5. Identifiers: Orphanet 144, MedGen C1833477, MONDO:0013710, OMIM 614350. Disease mechanism: loss of function.
Hereditary nonpolyposis colorectal neoplasms. Identifiers: MedGen C0009405, MeSH D003123.

Submissions (3):

Labcorp Genetics (formerly Invitae), Labcorp
Classification: Pathogenic for Hereditary nonpolyposis colorectal neoplasms. Last evaluated: 2025-12-30. Review status: criteria provided, single submitter. Criteria: Invitae Variant Classification Sherloc (09022015). Collection method: clinical testing. Allele origin: germline.
Comment: This sequence change creates a premature translational stop signal (p.Tyr977*) in the MSH6 gene. It is expected to result in an absent or disrupted protein product. Loss-of-function variants in MSH6 are known to be pathogenic (PMID: 18269114, 24362816). This variant is not present in population databases (gnomAD no frequency). This premature translational stop signal has been observed in individual(s) with MSH6-related conditions (PMID: 25142776, 27601186). ClinVar contains an entry for this variant (Variation ID: 981950). For these reasons, this variant has been classified as Pathogenic.

Myriad Genetics, Inc.
Classification: Pathogenic for Lynch syndrome 5. Last evaluated: 2023-08-21. Review status: criteria provided, single submitter. Criteria: Myriad Autosomal Dominant, Autosomal Recessive and X-Linked Classification Criteria (2023). Collection method: clinical testing. Allele origin: unknown.
Comment: This variant is considered pathogenic. This variant creates a termination codon and is predicted to result in premature protein truncation.

Molecular Diagnostics Laboratory, M Health Fairview: University of Minnesota
Classification: Pathogenic for Lynch syndrome 5. Last evaluated: 2020-05-12. Review status: criteria provided, single submitter. Criteria: ACMG Guidelines, 2015. Collection method: clinical testing. Allele origin: germline. Affected: yes.

Literature cited by the submitters: PubMed 18269114 (cited by Labcorp Genetics (formerly Invitae), Labcorp); PubMed 24362816 (cited by Labcorp Genetics (formerly Invitae), Labcorp); PubMed 25142776 (cited by Labcorp Genetics (formerly Invitae), Labcorp); PubMed 27601186 (cited by Labcorp Genetics (formerly Invitae), Labcorp).

NM_000179.3(MSH6):c.2930dup (p.Tyr977Ter)

Gene: MSH6 (mutS homolog 6; plus strand). Cytogenetic location: 2p16.3.
Variant type: Duplication.
Coding change: c.2930dup on transcript NM_000179.3 (MANE Select); coding-DNA position 2930, one base duplicated (A; older notation c.2930dupA).
Protein change: p.Tyr977Ter; replaces tyrosine 977 with a stop codon.
Molecular consequence: nonsense.
Genome position (GRCh38, 1-based): chr2:47,800,913, A duplicated. VCF-style (leftmost placement, unchanged base first): chr2-47800912-T-TA. GRCh37 (hg19) VCF-style: chr2-48028051-T-TA.
Other names: c.2540dup, p.Tyr847Ter (NM_001281492.2); c.2024dup, p.Tyr675Ter (NM_001281493.2, NM_001281494.2); short protein forms Y675*, Y847*, Y977*.
Identifiers: ClinVar variation 981950 (VCV000981950.3), dbSNP rs1669529094, ClinGen allele CA1139655912.
Genomic context (GRCh38, chr2:47,800,912, plus strand): 5'-AAACAGCGCAACAGAATTGGCTGTAGGACCATAGTCTATTGGGGGATTGGTAGGAACCGT[T>TA]ACCAGCTGGAAATTCCTGAGAATTTCACCACTCGCAATTTGCCAGAAGAATACGAGTTGA-3'